The following is an entry in ClinVar:

NM_000808.4(GABRA3):c.676G>A (p.Gly226Arg)

Gene: GABRA3 (gamma-aminobutyric acid type A receptor subunit alpha3; minus strand). Cytogenetic location: Xq28.
Variant type: single nucleotide variant.
Coding change: c.676G>A on transcript NM_000808.4 (MANE Select); coding-DNA position 676, G replaced by A.
Protein change: p.Gly226Arg; replaces glycine 226 with arginine.
Molecular consequence: missense variant.
Genome position (GRCh38, 1-based): chrX:152,208,103, C>T on the plus strand (G>A on the coding strand, the complement: GABRA3 is on the minus strand). VCF-style: chrX-152208103-C-T. GRCh37 (hg19) VCF-style: chrX-151376575-C-T.
Other names: short protein forms G226R.
Identifiers: ClinVar variation 4532381 (VCV004532381.2).

ClinVar aggregate classification (germline): Uncertain significance. Review status: criteria provided, multiple submitters, no conflicts (2 of 4 stars). 2 submissions from 2 submitters: Uncertain significance (2). Last evaluated 2025-10-03.

gnomAD v4.1: 1 of 1,210,708 alleles (0.000083%); highest among the groups gnomAD compares: Non-Finnish European, 0.00011%; no homozygotes.

Submissions (2):

Labcorp Genetics (formerly Invitae), Labcorp
Classification: Uncertain significance. Last evaluated: 2025-10-03. Review status: criteria provided, single submitter. Criteria: Invitae Variant Classification Sherloc (09022015). Collection method: clinical testing. Allele origin: germline.
Comment: This sequence change replaces glycine, which is neutral and non-polar, with arginine, which is basic and polar, at codon 226 of the GABRA3 protein (p.Gly226Arg). This variant is not present in population databases (gnomAD no frequency). This variant has not been reported in the literature in individuals affected with GABRA3-related conditions. Invitae Evidence Modeling of protein sequence and biophysical properties (such as structural, functional, and spatial information, amino acid conservation, physicochemical variation, residue mobility, and thermodynamic stability) indicates that this missense variant is not expected to disrupt GABRA3 protein function with a negative predictive value of 80%. In summary, the available evidence is currently insufficient to determine the role of this variant in disease. Therefore, it has been classified as a Variant of Uncertain Significance.

GeneDx
Classification: Uncertain significance. Last evaluated: 2024-09-03. Review status: criteria provided, single submitter. Criteria: GeneDx Variant Classification Process June 2021. Collection method: clinical testing. Allele origin: germline. Affected: yes.
Comment: Not observed at significant frequency in large population cohorts (gnomAD); In silico analysis supports that this missense variant has a deleterious effect on protein structure/function; Has not been previously published as pathogenic or benign to our knowledge; Variants in candidate genes are classified as variants of uncertain significance in accordance with ACMG guidelines (PMID: 25741868)